The following is an entry in ClinVar:

ClinVar aggregate classification (germline): Conflicting classifications of pathogenicity. Review status: criteria provided, conflicting classifications (1 of 4 stars). 14 submissions from 14 submitters: Uncertain significance (7); Likely benign (5). 2 of the submissions do not count toward it. Last evaluated 2026-01-20.

Conditions:
Aortic aneurysm, familial thoracic 4 (AAT4). Also called: AORTIC ANEURYSM/AORTIC DISSECTION AND PATENT DUCTUS ARTERIOSUS. Identifiers: MedGen C1851504, MONDO:0007568, OMIM 132900.
Megacystis-microcolon-intestinal hypoperistalsis syndrome 2. Identifiers: MedGen C5543476, MONDO:0025708, OMIM 619351.
Visceral myopathy 2. Identifiers: MedGen C5543466, MONDO:0859157, OMIM 619350.
Familial thoracic aortic aneurysm and aortic dissection (TAAD). Also called: Thoracic aortic aneurysms and dissections. Identifiers: Orphanet 91387, MedGen C4707243, MONDO:0019625.

Allele frequency attached by ClinVar (database versions not stated): ESP Exome Variant Server 0.00015; gnomAD 0.00015; TOPMed 0.00018; 1000 Genomes Project 0.00020; gnomAD exomes 0.00020 and 0.00030; ExAC 0.00039.
gnomAD v4.1: 314 of 1,613,154 alleles (0.019%); highest among the groups gnomAD compares: South Asian, 0.055%; 1 homozygote.

Submissions (14):

Labcorp Genetics (formerly Invitae), Labcorp
Classification: Likely benign for Aortic aneurysm, familial thoracic 4. Last evaluated: 2026-01-20. Review status: criteria provided, single submitter. Criteria: Invitae Variant Classification Sherloc (09022015). Collection method: clinical testing. Allele origin: germline.

Women's Health and Genetics/Laboratory Corporation of America, LabCorp
Classification: Likely benign. Last evaluated: 2025-05-16. Review status: criteria provided, single submitter. Criteria: LabCorp Variant Classification Summary - May 2015. Collection method: clinical testing. Allele origin: germline.
Comment: Variant summary: MYH11 c.3787A>C (p.Lys1263Gln) results in a conservative amino acid change in the encoded protein sequence. Algorithms developed to predict the effect of missense changes on protein structure and function are either unavailable or do not agree on the potential impact of this missense change. The variant allele was found at a frequency of 0.0003 in 250990 control chromosomes in the gnomAD database, including 1 homozygote. The observed variant frequency is approximately 240 fold of the estimated maximal expected allele frequency for a pathogenic variant in MYH11 causing Aortopathy phenotype (1.3e-06). c.3787A>C has been observed in individual(s) affected with Aortopathy without strong evidence for causality (Weerakkody_2018, Antonutti_2021, Chen_2021, Li_2021). These report(s) do not provide unequivocal conclusions about association of the variant with Aortopathy. To our knowledge, no experimental evidence demonstrating an impact on protein function has been reported. The following publications have been ascertained in the context of this evaluation (PMID: 33190788, 34422331, 37288276, 34498425, 29543232). ClinVar contains an entry for this variant (Variation ID: 263518). Based on the evidence outlined above, the variant was classified as likely benign.

Color Diagnostics, LLC DBA Color Health
Classification: Likely benign for Familial thoracic aortic aneurysm and aortic dissection. Last evaluated: 2024-11-26. Review status: criteria provided, single submitter. Criteria: ACMG Guidelines, 2015. Collection method: clinical testing. Allele origin: germline.

Blueprint Genetics
Classification: Likely benign. Last evaluated: 2024-11-23. Review status: criteria provided, single submitter. Criteria: ACMG Guidelines, 2015. Collection method: clinical testing. Allele origin: germline.

Ambry Genetics
Classification: Uncertain significance for Familial thoracic aortic aneurysm and aortic dissection. Last evaluated: 2024-10-18. Review status: criteria provided, single submitter. Criteria: Ambry Variant Classification Scheme 2023. Collection method: clinical testing. Allele origin: germline.
Comment: The p.K1256Q variant (also known as c.3766A>C), located in coding exon 27 of the MYH11 gene, results from an A to C substitution at nucleotide position 3766. The lysine at codon 1256 is replaced by glutamine, an amino acid with similar properties. This variant has been detected in individuals with thoracic aortic aneurysm and dissection (TAAD) and in TAAD cohorts; however, clinical details were limited and co-occurring variants in other TAAD-related genes were also detected in some cases (Weerakkody R et al. Genet Med, 2018 Nov;20:1414-1422; Li J et al. Mol Genet Genomic Med. 2021 Oct;9(10):e1800; Chen ZR et al. J Thorac Dis, 2021 Jul;13:4008-4022). This amino acid position is highly conserved in available vertebrate species. In addition, the in silico prediction for this alteration is inconclusive. Based on the available evidence, the clinical significance of this variant remains unclear.

ARUP Laboratories, Molecular Genetics and Genomics, ARUP Laboratories
Classification: Uncertain significance. Last evaluated: 2022-10-19. Review status: criteria provided, single submitter. Criteria: ARUP Molecular Germline Variant Investigation Process 2021. Collection method: clinical testing. Allele origin: germline.
Comment: The MYH11 c.3766A>C; p.Lys1256Gln variant (rs149241435), is reported in the literature in several individuals affected with thoracic aortic aneurysm and dissection (Chen 2021, Weerakkody 2018). However, this variant was reported in two probands with pathogenic variants in FBN1 and the MYH11 variant did not segregate within the two probands’ families, though specific clinical and inheritance information were not provided (Li 2021). This variant is reported in ClinVar (Variation ID: 263518) and is found in the South Asian population with an allele frequency of 0.0751% (23/30,616 alleles, including one homozygote) in the Genome Aggregation Database. The lysine at codon 1256 is highly conserved, but computational analyses are uncertain whether this variant is neutral or deleterious (REVEL: 0.532). While the high population frequency suggests that this is likely a benign variant, given the lack of clinical and functional data, the significance of the p.Lys1256Gln variant is uncertain at this time. References: Chen ZR et al. Genetic variants in Chinese patients with sporadic Stanford type A aortic dissection. J Thorac Dis. 2021 Jul;13(7):4008-4022. PMID: 34422331. Li J et al. Genetic testing and clinical relevance of patients with thoracic aortic aneurysm and dissection in northwestern China. Mol Genet Genomic Med. 2021 Oct;9(10):e1800. PMID: 34498425. Weerakkody R et al. Targeted genetic analysis in a large cohort of familial and sporadic cases of aneurysm or dissection of the thoracic aorta. Genet Med. 2018 Nov;20(11):1414-1422. PMID: 29543232.

Department of Pathology and Laboratory Medicine, Sinai Health System
Classification: Uncertain significance for Aortic aneurysm, familial thoracic 4; Visceral myopathy 2; Megacystis-microcolon-intestinal hypoperistalsis syndrome 2. Last evaluated: 2021-07-30. Review status: criteria provided, single submitter. Criteria: ACMG Guidelines, 2015. Collection method: research. Allele origin: germline.

Institute of Human Genetics, University of Leipzig Medical Center
Classification: Uncertain significance for Aortic aneurysm, familial thoracic 4. Last evaluated: 2021-07-27. Review status: criteria provided, single submitter. Criteria: ACMG Guidelines, 2015. Collection method: clinical testing. Allele origin: unknown. Affected: yes.

GeneDx
Classification: Likely benign. Last evaluated: 2020-10-02. Review status: criteria provided, single submitter. Criteria: GeneDx Variant Classification Process June 2021. Collection method: clinical testing. Allele origin: germline. Affected: yes.
Comment: Has been previously reported as a variant of uncertain significance in 2 individuals with TAAD in the published literature (Weerakkody et al., 2018).; In silico analysis, which includes protein predictors and evolutionary conservation, supports that this variant does not alter protein structure/function; Reported in ClinVar (ClinVar Variant ID# 263518; Landrum et al., 2016); This variant is associated with the following publications: (PMID: 29543232)

Laboratory for Molecular Medicine, Mass General Brigham Personalized Medicine
Classification: Uncertain significance. Last evaluated: 2019-03-21. Review status: criteria provided, single submitter. Criteria: ACMG Guidelines, 2015. Collection method: clinical testing. Allele origin: germline.
Comment: The p.Lys1263Gln variant in MYH11 has been previously reported, but has been identified in 0.03% (39/129118) of European chromosomes in gnomAD, including 1 homozygous South Asian individual. It has been reported in ClinVar (ID 263518). Computational tools predict predict a impact to the protein, though this information is not predictive enough to determine pathogenicity. In summary, although the frequency of this variant suggests that it is benign, additional information is needed to determine its clinical significance. ACMG/AMP criteria applied: PP3

Illumina Laboratory Services, Illumina
Classification: Uncertain significance for Aortic aneurysm, familial thoracic 4. Last evaluated: 2018-01-13. Review status: criteria provided, single submitter. Criteria: ICSL Variant Classification Criteria 13 December 2019. Collection method: clinical testing. Allele origin: germline.

CHEO Genetics Diagnostic Laboratory, Children's Hospital of Eastern Ontario
Classification: Uncertain significance for Familial thoracic aortic aneurysm and aortic dissection. Last evaluated: 2016-07-12. Review status: criteria provided, single submitter. Criteria: ACMG Guidelines, 2015. Collection method: clinical testing. Allele origin: germline. Study: Canadian Open Genetics Repository.

Clinical Genetics DNA and cytogenetics Diagnostics Lab, Erasmus MC, Erasmus Medical Center
Classification: Uncertain significance. Review status: no assertion criteria provided. Collection method: clinical testing. Allele origin: germline. Affected: yes. Study: VKGL Data-share Consensus. Not counted in ClinVar's aggregate classification.

Genome Diagnostics Laboratory, University Medical Center Utrecht
Classification: Uncertain significance. Review status: no assertion criteria provided. Collection method: clinical testing. Allele origin: germline. Affected: yes. Study: VKGL Data-share Consensus. Not counted in ClinVar's aggregate classification.

Literature cited by the submitters: PubMed 29543232 (cited by Women's Health and Genetics/Laboratory Corporation of America, LabCorp and Ambry Genetics); PubMed 34422331 (cited by Women's Health and Genetics/Laboratory Corporation of America, LabCorp and Ambry Genetics); PubMed 33190788 (cited by Women's Health and Genetics/Laboratory Corporation of America, LabCorp); PubMed 34498425 (cited by Women's Health and Genetics/Laboratory Corporation of America, LabCorp and Ambry Genetics); PubMed 37288276 (cited by Women's Health and Genetics/Laboratory Corporation of America, LabCorp).

NM_002474.3(MYH11):c.3766A>C (p.Lys1256Gln)

Gene: MYH11 (myosin heavy chain 11; minus strand). Cytogenetic location: 16p13.11.
Variant type: single nucleotide variant.
Coding change: c.3766A>C on transcript NM_002474.3 (MANE Select); coding-DNA position 3766, A replaced by C.
Protein change: p.Lys1256Gln; replaces lysine 1256 with glutamine.
Molecular consequence: missense variant.
Genome position (GRCh38, 1-based): chr16:15,726,940, T>G on the plus strand (A>C on the coding strand, the complement: MYH11 is on the minus strand). VCF-style: chr16-15726940-T-G. GRCh37 (hg19) VCF-style: chr16-15820797-T-G.
Other names: c.3787A>C, p.Lys1263Gln (NM_001040113.2, NM_001040114.2); c.3766A>C, p.Lys1256Gln (NM_022844.3); short protein forms K1256Q, K1263Q.
Identifiers: ClinVar variation 263518 (VCV000263518.37), dbSNP rs149241435, ClinGen allele CA7921897.
Genomic context (GRCh38, chr16:15,726,940, plus strand): 5'-CCCGGGCCCGCTCCCCATCGCTGCACTTGGACTGCAGCTCCTGCACCTGCGCCTCCAGCT[T>G]CTTCTTCTTATGTTCCACCTCCTGCTTGGCCTGGCCCAGGACCCGCAGCTCCCCGGCCAG-3'
Protein context (NP_002465.1, residues 1246-1266): AKQEVEHKKK[Lys1256Gln]LEAQVQELQS